The following is an entry in ClinVar:

ClinVar aggregate classification (germline): Uncertain significance (1 of 4 stars; one submission).

Conditions:
Renal cell carcinoma. Identifiers: Orphanet 217071, MedGen C0007134, MeSH D002292, MONDO:0005086, HP:0005584.

Submission:

Labcorp Genetics (formerly Invitae), Labcorp
Classification: Uncertain significance for Renal cell carcinoma. Last evaluated: 2023-04-08. Review status: criteria provided, single submitter. Criteria: Invitae Variant Classification Sherloc (09022015). Collection method: clinical testing. Allele origin: germline.
Comment: This variant has not been reported in the literature in individuals affected with MET-related conditions. This variant is not present in population databases (gnomAD no frequency). This sequence change replaces glycine, which is neutral and non-polar, with arginine, which is basic and polar, at codon 1146 of the MET protein (p.Gly1146Arg). In summary, the available evidence is currently insufficient to determine the role of this variant in disease. Therefore, it has been classified as a Variant of Uncertain Significance. Advanced modeling of protein sequence and biophysical properties (such as structural, functional, and spatial information, amino acid conservation, physicochemical variation, residue mobility, and thermodynamic stability) performed at Invitae indicates that this missense variant is expected to disrupt MET protein function.

NM_000245.4(MET):c.3382G>A (p.Gly1128Arg)

Gene: MET (MET proto-oncogene, receptor tyrosine kinase; plus strand). Cytogenetic location: 7q31.2.
Variant type: single nucleotide variant.
Coding change: c.3382G>A on transcript NM_000245.4 (MANE Select); coding-DNA position 3382, G replaced by A.
Protein change: p.Gly1128Arg; replaces glycine 1128 with arginine.
Molecular consequence: missense variant.
Genome position (GRCh38, 1-based): chr7:116,778,817, G>A. VCF-style: chr7-116778817-G-A. GRCh37 (hg19) VCF-style: chr7-116418871-G-A.
Other names: c.3436G>A, p.Gly1146Arg (NM_001127500.3); c.2092G>A, p.Gly698Arg (NM_001324402.2); short protein forms G1146R, G1128R, G698R.
Identifiers: ClinVar variation 3009164 (VCV003009164.3), dbSNP rs2117045610, ClinGen allele CA368990029.